The following is an entry in ClinVar:

ClinVar aggregate classification (germline): Conflicting classifications of pathogenicity. Review status: criteria provided, conflicting classifications (1 of 4 stars). 4 submissions from 3 submitters: Pathogenic (1); Uncertain significance (2). 1 of the submissions does not count toward it. Last evaluated 2021-06-24.

Conditions:
Transitory neonatal diabetes mellitus. Also called: Transient neonatal diabetes mellitus. Identifiers: MedGen C0342273, MONDO:0020525, HP:0008255.
Maturity-onset diabetes of the young (MODY). Also called: Maturity onset diabetes mellitus in young. Identifiers: Orphanet 552, MedGen C0342276, MONDO:0018911, HP:0004904.
Hyperinsulinemic hypoglycemia, familial, 1 (HHF1). Also called: Persistent Hyperinsulinemia Hypoglycemia of Infancy; HYPERINSULINISM, FAMILIAL, WITH PANCREATIC NESIDIOBLASTOSIS; HYPOGLYCEMIA, HYPERINSULINEMIC, OF INFANCY; NESIDIOBLASTOSIS OF PANCREAS; Persistent hyperinsulinemic hypoglycemia of infancy. Identifiers: Orphanet 276575, Orphanet 276598, MedGen C2931832, MONDO:0009734, OMIM 256450.

Submissions (4):

Labcorp Genetics (formerly Invitae), Labcorp
Classification: Pathogenic. Last evaluated: 2021-06-24. Review status: criteria provided, single submitter. Criteria: Invitae Variant Classification Sherloc (09022015). Collection method: clinical testing. Allele origin: germline.
Comment: For these reasons, this variant has been classified as Pathogenic. This variant has not been reported in the literature in individuals with ABCC8-related conditions. ClinVar contains an entry for this variant (Variation ID: 370506). This variant is not present in population databases (ExAC no frequency). This sequence change creates a premature translational stop signal (p.Thr700Hisfs*44) in the ABCC8 gene. It is expected to result in an absent or disrupted protein product. Loss-of-function variants in ABCC8 are known to be pathogenic (PMID: 20685672, 23345197).

Clinical Genomics, Uppaluri K&H Personalized Medicine Clinic
Classification: Uncertain significance for Maturity-onset diabetes of the young. Review status: criteria provided, single submitter. Criteria: K & H Uppaluri Personalized Medicine Clinic Variant Classification & Assertion Criteria_Updated V.1. Collection method: research. Allele origin: unknown. Inheritance: Somatic mutation.
Comment: Mutations in ABCC8 gene are associated with both neonatal diabetes mellitus as well as MODY. Patients with this mutation may have a better response to sulfonylureas. However, no sufficient evidence is found to ascertain the role of this particular variant (rs1057516542) in MODY yet.

Clinical Genomics, Uppaluri K&H Personalized Medicine Clinic
Classification: Uncertain significance for Transitory neonatal diabetes mellitus. Review status: criteria provided, single submitter. Criteria: K & H Uppaluri Personalized Medicine Clinic Variant Classification & Assertion Criteria_Updated V.1. Collection method: research. Allele origin: unknown. Inheritance: Somatic mutation.
Comment: Mutations in ABCC8 gene are associated with both neonatal diabetes mellitus as well as MODY. Patients with this mutation may have a better response to sulfonylureas. However, no sufficient evidence is found to ascertain the role of this particular variant (rs1057516542) in neonatal diabetes yet.

Counsyl
Classification: Likely pathogenic for Hyperinsulinemic hypoglycemia, familial, 1. Last evaluated: 2016-02-22. Review status: no assertion criteria provided. Collection method: clinical testing. Allele origin: unknown. Not counted in ClinVar's aggregate classification.

Literature cited by the submitters: PubMed 20685672 (cited by Labcorp Genetics (formerly Invitae), Labcorp); PubMed 23345197 (cited by Labcorp Genetics (formerly Invitae), Labcorp); PubMed 16885549 (cited by Clinical Genomics, Uppaluri K&H Personalized Medicine Clinic); PubMed 27538677 (cited by Clinical Genomics, Uppaluri K&H Personalized Medicine Clinic); PubMed 21989597 (cited by Clinical Genomics, Uppaluri K&H Personalized Medicine Clinic); PubMed 18981553 (cited by Clinical Genomics, Uppaluri K&H Personalized Medicine Clinic); PubMed 16613899 (cited by Clinical Genomics, Uppaluri K&H Personalized Medicine Clinic); PubMed 32027066 (cited by Clinical Genomics, Uppaluri K&H Personalized Medicine Clinic); PubMed 18025408 (cited by Clinical Genomics, Uppaluri K&H Personalized Medicine Clinic); PubMed 32792356 (cited by Clinical Genomics, Uppaluri K&H Personalized Medicine Clinic).

NM_000352.6(ABCC8):c.2098_2099del (p.Thr700fs)

Gene: ABCC8 (ATP binding cassette subfamily C member 8; minus strand). Cytogenetic location: 11p15.1.
Variant type: Deletion.
Coding change: c.2098_2099del on transcript NM_000352.6 (MANE Select); coding-DNA positions 2098 to 2099, 2 bases deleted (AC; older notation c.2098_2099delAC).
Protein change: p.Thr700fs; shifts the reading frame from threonine 700.
Molecular consequence: frameshift variant. On other transcripts: non-coding transcript variant (1).
Genome position (GRCh38, 1-based): chr11:17,427,884-17,427,885, GT deleted on the plus strand (AC on the coding strand, the reverse complement: ABCC8 is on the minus strand); deleting any 2 consecutive bases within chr11:17,427,884-17,427,886 gives the same sequence; the c. name uses the placement nearest the transcript's 3' end. VCF-style (leftmost placement, unchanged base first): chr11-17427883-GGT-G. GRCh37 (hg19) VCF-style: chr11-17449430-GGT-G.
Other names: c.2098_2099del, p.Thr700fs (NM_001287174.3); c.2164_2165del, p.Thr722fs (NM_001351295.2); c.2095_2096del, p.Thr699fs (NM_001351296.2, NM_001351297.2); short protein forms T700fs, T722fs, T699fs.
Identifiers: ClinVar variation 370506 (VCV000370506.9), dbSNP rs1057516542, ClinGen allele CA16041449.
Genomic context (GRCh38, chr11:17,427,883, plus strand): 5'-GGGACATGGGGAGGGGCATGCTGGAGGGGTGGACTGGGCCATACCTCGGGGGATACGAAT[GGT>G]GATGTTGGACAGTGTGGGGATTCCATCTGGGGTCCACGTGAAGTAGCCTCCCATGATCTT-3'